The following is an entry in ClinVar:

NM_001879.6(MASP1):c.1426G>A (p.Gly476Arg)

Gene: MASP1 (MBL associated serine protease 1; minus strand). Cytogenetic location: 3q27.3.
Variant type: single nucleotide variant.
Coding change: c.1426G>A on transcript NM_001879.6 (MANE Plus Clinical); coding-DNA position 1426, G replaced by A.
Protein change: p.Gly476Arg; replaces glycine 476 with arginine.
Molecular consequence: missense variant.
Genome position (GRCh38, 1-based): chr3:187,229,775, C>T on the plus strand (G>A on the coding strand, the complement: MASP1 is on the minus strand). VCF-style: chr3-187229775-C-T. GRCh37 (hg19) VCF-style: chr3-186947563-C-T.
Other names: short protein forms G476R.
Identifiers: ClinVar variation 3905152 (VCV003905152.10).

ClinVar aggregate classification (germline): Uncertain significance (1 of 4 stars; one submission).

gnomAD v4.1: 154 of 1,614,000 alleles (0.0095%); highest among the groups gnomAD compares: East Asian, 0.085%; no homozygotes.

Submission:

CeGaT Center for Human Genetics Tuebingen
Classification: Uncertain significance. Last evaluated: 2025-06-01. Review status: criteria provided, single submitter. Criteria: CeGaT Center For Human Genetics Tuebingen Variant Classification Criteria Version 2. Collection method: clinical testing. Allele origin: germline. Affected: yes. Observed: 1 variant allele.
Comment: MASP1: PM2, PP3